The following is an entry in ClinVar:

NM_004204.5(PIGQ):c.64C>T (p.Arg22Trp)

Gene: PIGQ (phosphatidylinositol glycan anchor biosynthesis class Q; plus strand). Cytogenetic location: 16p13.3.
Variant type: single nucleotide variant.
Coding change: c.64C>T on transcript NM_004204.5 (MANE Select); coding-DNA position 64, C replaced by T.
Protein change: p.Arg22Trp; replaces arginine 22 with tryptophan.
Molecular consequence: missense variant.
Genome position (GRCh38, 1-based): chr16:574,138, C>T. VCF-style: chr16-574138-C-T. GRCh37 (hg19) VCF-style: chr16-624138-C-T.
Other names: c.64C>T, p.Arg22Trp (NM_148920.4); c.64C>T (NM_148920.1); short protein forms R22W.
Identifiers: ClinVar variation 1508427 (VCV001508427.6), dbSNP rs751055581, ClinGen allele CA7779771.

ClinVar aggregate classification (germline): Uncertain significance. Review status: criteria provided, multiple submitters, no conflicts (2 of 4 stars). 2 submissions from 2 submitters: Uncertain significance (2). Last evaluated 2024-11-25.

Conditions:
Epilepsy. Also called: Seizure disorder. Identifiers: MedGen C0014544, MeSH D004827, MONDO:0005027.
Inborn genetic diseases. Identifiers: MedGen C0950123, MeSH D030342.

Allele frequency attached by ClinVar (database versions not stated): ExAC 0.00001; gnomAD 0.00001; gnomAD exomes 0.00002; TOPMed 0.00003.
gnomAD v4.1: 33 of 1,611,826 alleles (0.002%); highest among the groups gnomAD compares: African/African-American, 0.004%; no homozygotes.

Submissions (2):

Ambry Genetics
Classification: Uncertain significance for Inborn genetic diseases. Last evaluated: 2024-11-25. Review status: criteria provided, single submitter. Criteria: Ambry Variant Classification Scheme 2023. Collection method: clinical testing. Allele origin: germline.

Labcorp Genetics (formerly Invitae), Labcorp
Classification: Uncertain significance for Epilepsy. Last evaluated: 2024-10-29. Review status: criteria provided, single submitter. Criteria: Invitae Variant Classification Sherloc (09022015). Collection method: clinical testing. Allele origin: germline.
Comment: This sequence change replaces arginine, which is basic and polar, with tryptophan, which is neutral and slightly polar, at codon 22 of the PIGQ protein (p.Arg22Trp). This variant is present in population databases (rs751055581, gnomAD 0.01%). This variant has not been reported in the literature in individuals affected with PIGQ-related conditions. ClinVar contains an entry for this variant (Variation ID: 1508427). An algorithm developed to predict the effect of missense changes on protein structure and function (PolyPhen-2) suggests that this variant is likely to be disruptive. In summary, the available evidence is currently insufficient to determine the role of this variant in disease. Therefore, it has been classified as a Variant of Uncertain Significance.